The following is an entry in ClinVar:

ClinVar aggregate classification (germline): Uncertain significance. Review status: criteria provided, multiple submitters, no conflicts (2 of 4 stars). 2 submissions from 2 submitters: Uncertain significance (2). Last evaluated 2024-12-18.

Conditions:
DYRK1B-related disorder. Also called: DYRK1B-related condition.

Submissions (2):

PreventionGenetics, part of Exact Sciences
Classification: Uncertain significance for DYRK1B-related condition. Last evaluated: 2024-12-18. Review status: criteria provided, single submitter. Criteria: ACMG Guidelines, 2015. Collection method: clinical testing. Allele origin: germline.
Comment: The DYRK1B c.1627C>G variant is predicted to result in the amino acid substitution p.Pro543Ala. To our knowledge, this variant has not been reported in the literature. This variant is reported in 0.0025% of alleles in individuals of European (Non-Finnish) descent in gnomAD. At this time, the clinical significance of this variant is uncertain due to the absence of conclusive functional and genetic evidence.

Labcorp Genetics (formerly Invitae), Labcorp
Classification: Uncertain significance. Last evaluated: 2022-02-28. Review status: criteria provided, single submitter. Criteria: Invitae Variant Classification Sherloc (09022015). Collection method: clinical testing. Allele origin: germline.
Comment: This sequence change replaces proline, which is neutral and non-polar, with alanine, which is neutral and non-polar, at codon 543 of the DYRK1B protein (p.Pro543Ala). In summary, the available evidence is currently insufficient to determine the role of this variant in disease. Therefore, it has been classified as a Variant of Uncertain Significance. Advanced modeling of protein sequence and biophysical properties (such as structural, functional, and spatial information, amino acid conservation, physicochemical variation, residue mobility, and thermodynamic stability) performed at Invitae indicates that this missense variant is not expected to disrupt DYRK1B protein function. This variant has not been reported in the literature in individuals affected with DYRK1B-related conditions. This variant is present in population databases (rs752860992, gnomAD 0.003%).

NM_004714.3(DYRK1B):c.1627C>G (p.Pro543Ala)

Gene: DYRK1B (dual specificity tyrosine phosphorylation regulated kinase 1B; minus strand). Cytogenetic location: 19q13.2.
Variant type: single nucleotide variant.
Coding change: c.1627C>G on transcript NM_004714.3 (MANE Select); coding-DNA position 1627, C replaced by G.
Protein change: p.Pro543Ala; replaces proline 543 with alanine.
Molecular consequence: missense variant.
Genome position (GRCh38, 1-based): chr19:39,825,978, G>C on the plus strand (C>G on the coding strand, the complement: DYRK1B is on the minus strand). VCF-style: chr19-39825978-G-C. GRCh37 (hg19) VCF-style: chr19-40316618-G-C.
Other names: c.1627C>G (NM_004714.2); c.1507C>G, p.Pro503Ala (NM_006483.3); c.1543C>G, p.Pro515Ala (NM_006484.3); short protein forms P503A, P543A, P515A.
Identifiers: ClinVar variation 1924285 (VCV001924285.6), dbSNP rs752860992, ClinGen allele CA9433965.